The following is an entry in ClinVar:

ClinVar aggregate classification (germline): Conflicting classifications of pathogenicity. Review status: criteria provided, conflicting classifications (1 of 4 stars). 3 submissions from 3 submitters: Uncertain significance (2); Likely benign (1). Last evaluated 2025-04-01.

Allele frequency attached by ClinVar (database versions not stated): gnomAD exomes 0.00004 and 0.00010; ExAC 0.00017; gnomAD 0.00053 and 0.00060; TOPMed 0.00060; ESP Exome Variant Server 0.00075.
gnomAD v4.1: 140 of 1,613,878 alleles (0.0087%); highest among the groups gnomAD compares: African/African-American, 0.16%; no homozygotes.

Submissions (3):

CeGaT Center for Human Genetics Tuebingen
Classification: Uncertain significance. Last evaluated: 2025-04-01. Review status: criteria provided, single submitter. Criteria: CeGaT Center For Human Genetics Tuebingen Variant Classification Criteria Version 2. Collection method: clinical testing. Allele origin: germline. Affected: yes. Observed: 1 variant allele.
Comment: HTT: PM2:Supporting, BP4

Labcorp Genetics (formerly Invitae), Labcorp
Classification: Uncertain significance. Last evaluated: 2025-01-06. Review status: criteria provided, single submitter. Criteria: Invitae Variant Classification Sherloc (09022015). Collection method: clinical testing. Allele origin: germline.
Comment: This sequence change replaces alanine, which is neutral and non-polar, with threonine, which is neutral and polar, at codon 2198 of the HTT protein (p.Ala2198Thr). This variant is present in population databases (rs202240444, gnomAD 0.2%). This variant has not been reported in the literature in individuals affected with HTT-related conditions. ClinVar contains an entry for this variant (Variation ID: 1435295). Experimental studies and prediction algorithms are not available or were not evaluated, and the functional significance of this variant is currently unknown. In summary, the available evidence is currently insufficient to determine the role of this variant in disease. Therefore, it has been classified as a Variant of Uncertain Significance.

Blueprint Genetics
Classification: Likely benign. Last evaluated: 2022-12-19. Review status: criteria provided, single submitter. Criteria: ACMG Guidelines, 2015. Collection method: clinical testing. Allele origin: germline.

NM_001388492.1(HTT):c.6586G>A (p.Ala2196Thr)

Gene: HTT (huntingtin; plus strand). Cytogenetic location: 4p16.3.
Variant type: single nucleotide variant.
Coding change: c.6586G>A on transcript NM_001388492.1 (MANE Select); coding-DNA position 6586, G replaced by A.
Protein change: p.Ala2196Thr; replaces alanine 2196 with threonine.
Molecular consequence: missense variant.
Genome position (GRCh38, 1-based): chr4:3,212,100, G>A. VCF-style: chr4-3212100-G-A. GRCh37 (hg19) VCF-style: chr4-3213827-G-A.
Other names: c.6592G>A, p.Ala2198Thr (NM_002111.8); short protein forms A2196T, A2198T.
Identifiers: ClinVar variation 1435295 (VCV001435295.14), dbSNP rs202240444, ClinGen allele CA2825076.